The following is an entry in ClinVar:

ClinVar aggregate classification (germline): Pathogenic. Review status: criteria provided, multiple submitters, no conflicts (2 of 4 stars). 10 submissions from 10 submitters: Pathogenic (10). Last evaluated 2026-08-10.

Conditions:
Muscular dystrophy-dystroglycanopathy (congenital with brain and eye anomalies), type A1 (MDDGA1). Also called: WALKER-WARBURG SYNDROME OR MUSCLE-EYE-BRAIN DISEASE, POMT1-RELATED; Hydrocephalus, agyria and retinal dysplasia; Hard +/- E syndrome; Warburg syndrome; Chemke syndrome; Pagon syndrome. Identifiers: Orphanet 588, Orphanet 899, MedGen C4284790, MONDO:0009364, OMIM 236670.
Muscular dystrophy-dystroglycanopathy (congenital with impaired intellectual development), type B, 1. Also called: Muscular dystrophy-dystroglycanopathy (congenital with intellectual disability), type B1; MUSCULAR DYSTROPHY, CONGENITAL, POMT1-RELATED. Identifiers: MedGen C5436962, MONDO:0013159, OMIM 613155.
Autosomal recessive limb-girdle muscular dystrophy type 2K. Also called: MUSCULAR DYSTROPHY, LIMB-GIRDLE, TYPE 2K; MUSCULAR DYSTROPHY-DYSTROGLYCANOPATHY (LIMB-GIRDLE), TYPE C, 1. Identifiers: Orphanet 86812, MedGen C1836373, MONDO:0012248, OMIM 609308.
Walker-Warburg congenital muscular dystrophy. Also called: Muscular dystrophy-dystroglycanopathy, type A; Walker-Warburg syndrome. Identifiers: Orphanet 899, MedGen C0265221, MONDO:0000171.

Allele frequency attached by ClinVar (database versions not stated): gnomAD exomes 0.00001; TOPMed below 0.00001; ExAC 0.00001.
gnomAD v4.1: 4 of 1,609,484 alleles (0.00025%); highest among the groups gnomAD compares: Non-Finnish European, 0.00034%; no homozygotes.

Submissions (10):

Department of Medical Genetics, Jagiellonian University Medical College
Classification: Pathogenic for Muscular dystrophy-dystroglycanopathy (congenital with brain and eye anomalies), type A1. Last evaluated: 2026-08-10. Review status: criteria provided, single submitter. Criteria: ACMG Guidelines, 2015. Collection method: research. Allele origin: inherited. Inheritance: Autosomal recessive inheritance. Affected: yes.

First Genomix Gene Laboratory, Genetic Diagnostics Department
Classification: Pathogenic for Muscular dystrophy-dystroglycanopathy (congenital with brain and eye anomalies), type A1; Muscular dystrophy-dystroglycanopathy (congenital with impaired intellectual development), type B, 1; Autosomal recessive limb-girdle muscular dystrophy type 2K. Last evaluated: 2025-07-15. Review status: criteria provided, single submitter. Criteria: ACMG Guidelines, 2015. Collection method: clinical testing. Allele origin: germline. Inheritance: Autosomal recessive inheritance. Affected: no. Observed: 1 variant allele.

Genomic Medicine Center of Excellence, King Faisal Specialist Hospital and Research Centre
Classification: Pathogenic for Muscular dystrophy-dystroglycanopathy (congenital with brain and eye anomalies), type A1. Last evaluated: 2024-03-25. Review status: criteria provided, single submitter. Criteria: ACMG Guidelines, 2015. Collection method: clinical testing. Allele origin: germline.

Baylor Genetics
Classification: Pathogenic for Muscular dystrophy-dystroglycanopathy (congenital with brain and eye anomalies), type A1. Last evaluated: 2024-02-28. Review status: criteria provided, single submitter. Criteria: ACMG Guidelines, 2015. Collection method: clinical testing. Allele origin: unknown.

Labcorp Genetics (formerly Invitae), Labcorp
Classification: Pathogenic for Muscular dystrophy-dystroglycanopathy (congenital with impaired intellectual development), type B, 1; Walker-Warburg congenital muscular dystrophy; Autosomal recessive limb-girdle muscular dystrophy type 2K. Last evaluated: 2024-01-09. Review status: criteria provided, single submitter. Criteria: Invitae Variant Classification Sherloc (09022015). Collection method: clinical testing. Allele origin: germline.
Comment: This sequence change affects a donor splice site in intron 4 of the POMT1 gene. RNA analysis indicates that disruption of this splice site induces altered splicing and likely results in a shortened protein product. This variant is present in population databases (rs746823238, gnomAD 0.0009%). Disruption of this splice site has been observed in individual(s) with Walker-Warburg syndrome (PMID: 18752264, 20065251). This variant is also known as p.del77-93. ClinVar contains an entry for this variant (Variation ID: 691982). Studies have shown that disruption of this splice site results in skipping of exon 4, but is expected to preserve the integrity of the reading-frame (PMID: 20065251). For these reasons, this variant has been classified as Pathogenic.

Equipe Genetique des Anomalies du Developpement, Université de Bourgogne
Classification: Pathogenic for Muscular dystrophy-dystroglycanopathy (congenital with brain and eye anomalies), type A1. Last evaluated: 2023-08-28. Review status: criteria provided, single submitter. Criteria: ACMG Guidelines, 2015. Collection method: clinical testing. Allele origin: biparental. Inheritance: Autosomal recessive inheritance. Affected: yes.

Laboratoire de Génétique Moléculaire, CHU Bordeaux
Classification: Pathogenic for Muscular dystrophy-dystroglycanopathy (congenital with brain and eye anomalies), type A1. Last evaluated: 2023-07-03. Review status: criteria provided, single submitter. Criteria: ACMG Guidelines, 2015. Collection method: clinical testing. Allele origin: germline. Affected: yes.

Institute of Medical Genetics and Applied Genomics, University Hospital Tübingen
Classification: Pathogenic. Last evaluated: 2021-09-15. Review status: criteria provided, single submitter. Criteria: ACMG Guidelines, 2015. Collection method: clinical testing. Allele origin: germline. Inheritance: Autosomal recessive inheritance. Affected: yes.

Centre for Mendelian Genomics, University Medical Centre Ljubljana
Classification: Pathogenic for Muscular dystrophy-dystroglycanopathy (congenital with brain and eye anomalies), type A1. Last evaluated: 2020-01-27. Review status: criteria provided, single submitter. Criteria: ACMG Guidelines, 2015. Collection method: clinical testing. Allele origin: unknown. Affected: yes.
Comment: This variant was classified as: Pathogenic. The following ACMG criteria were applied in classifying this variant: PVS1,PM2,PP3.

Pathology and Clinical Laboratory Medicine, King Fahad Medical City
Classification: Pathogenic for Muscular dystrophy-dystroglycanopathy (congenital with brain and eye anomalies), type A1. Review status: criteria provided, single submitter. Criteria: ACMG Guidelines, 2015. Collection method: clinical testing. Allele origin: germline. Affected: yes. Observed: 3 variant alleles.

Literature cited by the submitters: PubMed 18752264 (cited by Labcorp Genetics (formerly Invitae), Labcorp); PubMed 20065251 (cited by Labcorp Genetics (formerly Invitae), Labcorp).

NM_001077365.2(POMT1):c.280+1G>T

Gene: POMT1 (protein O-mannosyltransferase 1; plus strand). Cytogenetic location: 9q34.13.
Variant type: single nucleotide variant.
Coding change: c.280+1G>T on transcript NM_001077365.2 (MANE Select); the canonical splice donor site of the intron after coding-DNA position 280, G replaced by T.
Molecular consequence: splice donor variant. On other transcripts: intron variant (3).
Genome position (GRCh38, 1-based): chr9:131,506,454, G>T. VCF-style: chr9-131506454-G-T. GRCh37 (hg19) VCF-style: chr9-134381841-G-T.
Other names: c.118+1G>T (NM_001353198.2, NM_001353194.2, NM_001374689.1 and 3 more transcripts); c.280+1G>T (NM_001353193.2, NM_001136113.2, NM_007171.4 and 1 more transcripts); c.-71-914G>T (NM_001374691.1, NM_001374692.1); c.173+1G>T (NM_001353196.2); c.-72+1G>T (NM_001353195.2, NM_001353199.2, NM_001136114.2); c.-30+2114G>T (NM_001374695.1); c.-710+1G>T (NM_001411024.1); c.-30+1G>T (NM_001353200.2).
Identifiers: ClinVar variation 691982 (VCV000691982.21), dbSNP rs746823238, ClinGen allele CA5293206.